The following is an entry in ClinVar:

ClinVar aggregate classification (germline): Likely benign (1 of 4 stars; one submission).

Allele frequency attached by ClinVar (database versions not stated): gnomAD 0.01147 and 0.01221; TOPMed 0.01290; 1000 Genomes Project 0.01458; 1000 Genomes Project 30x 0.01546.
gnomAD v4.1: 1,727 of 152,258 alleles (1.1%); highest among the groups gnomAD compares: African/African-American, 3.9%; 42 homozygotes.

Submission:

GeneDx
Classification: Likely benign. Last evaluated: 2018-06-19. Review status: criteria provided, single submitter. Criteria: GeneDx Variant Classification (06012015). Collection method: clinical testing. Allele origin: germline. Affected: yes.
Comment: This variant is considered likely benign or benign based on one or more of the following criteria: it is a conservative change, it occurs at a poorly conserved position in the protein, it is predicted to be benign by multiple in silico algorithms, and/or has population frequency not consistent with disease.

NM_001134363.3(RBM20):c.2656-189C>T

Gene: RBM20 (RNA binding motif protein 20; plus strand). Cytogenetic location: 10q25.2.
Variant type: single nucleotide variant.
Coding change: c.2656-189C>T on transcript NM_001134363.3 (MANE Select); 189 bases into the intron before coding-DNA position 2656, C replaced by T.
Molecular consequence: intron variant.
Genome position (GRCh38, 1-based): chr10:110,821,086, C>T. VCF-style: chr10-110821086-C-T. GRCh37 (hg19) VCF-style: chr10-112580844-C-T.
Identifiers: ClinVar variation 675753 (VCV000675753.1), dbSNP rs113738936, ClinGen allele CA213229206.